The following is an entry in ClinVar:

NM_007194.4(CHEK2):c.1543-11T>C

Gene: CHEK2 (checkpoint kinase 2; minus strand). Cytogenetic location: 22q12.1.
Variant type: single nucleotide variant.
Coding change: c.1543-11T>C on transcript NM_007194.4 (MANE Select); 11 bases into the intron before coding-DNA position 1543, T replaced by C.
Molecular consequence: intron variant.
Genome position (GRCh38, 1-based): chr22:28,687,997, A>G on the plus strand (T>C on the coding strand, the complement: CHEK2 is on the minus strand). VCF-style: chr22-28687997-A-G. GRCh37 (hg19) VCF-style: chr22-29083985-A-G.
Other names: c.880-11T>C (NM_001437942.1, NM_001257387.3); c.1342-11T>C (NM_001349956.3); c.1456-11T>C (NM_145862.3); c.1549-11T>C (NM_001438295.1); c.1636-11T>C (NM_001438293.1); c.1585-11T>C (NM_001438294.1); c.1672-11T>C (NM_001005735.3).
Identifiers: ClinVar variation 3773022 (VCV003773022.1).
Genomic context (GRCh38, chr22:28,687,997, plus strand): 5'-TCGGCACCCTCGGCTTCCCCTTCACGGGGCCGCTTTCGACTAGTAGAAGGCTGAAAATAA[A>G]GGAAAATGGAGAAATGTTCAAAAGAAAATCACTGGCTTCTTTAAGATTATCAAAGTTCCT-3'

ClinVar aggregate classification (germline): Likely benign (1 of 4 stars; one submission).

Conditions:
Familial cancer of breast. Also called: Hereditary breast cancer; BREAST CANCER, FAMILIAL; hereditary breast carcinoma. Identifiers: Orphanet 227535, MedGen C0346153, MONDO:0016419, OMIM 114480. Disease mechanism: loss of function.

Submission:

Myriad Genetics, Inc.
Classification: Likely benign for Familial cancer of breast. Last evaluated: 2024-10-08. Review status: criteria provided, single submitter. Criteria: Myriad Autosomal Dominant, Autosomal Recessive and X-Linked Classification Criteria (2023). Collection method: clinical testing. Allele origin: unknown.
Comment: This variant is considered likely benign. This variant is intronic and is not expected to impact mRNA splicing.